The following is an entry in ClinVar:

NM_000044.6(AR):c.171GCA[22] (p.Gln80del)

Genes: AR (androgen receptor; plus strand), LOC109504725 (androgen receptor repeat instability region; plus strand). Cytogenetic location: Xq12.
Variant type: Microsatellite.
Coding change: c.171GCA[22] on transcript NM_000044.6 (MANE Select); 22 copies in a row of the 3-base unit GCA starting at c.171; the reference has 23 copies in a row; one copy, 3 bases deleted; also written c.237_239del.
Protein change: p.Gln80del; deletes glutamine 80.
Molecular consequence: inframe deletion. On other transcripts: 5 prime UTR variant (1).
Genome position (GRCh38, 1-based): chrX:67,545,383-67,545,385, GCA deleted; deleting any 3 consecutive bases within chrX:67,545,317-67,545,385 gives the same sequence; the position shown is the placement nearest the transcript's 3' end. VCF-style (leftmost placement, unchanged base first): chrX-67545316-TGCA-T. GRCh37 (hg19) VCF-style: chrX-66765158-TGCA-T.
Other names: c.237_239delGCA (NM_000044.3); c.-1613GCA[22] (NM_001011645.3); c.171GCA[22], p.Gln80del (NM_001348061.1, NM_001348063.1, NM_001348064.1); c.237_239del (NM_000044.6); short protein forms Q80del.
Identifiers: ClinVar variation 464798 (VCV000464798.11), dbSNP rs3032358, ClinGen allele CA10436231.
Genomic context (GRCh38, chrX:67,545,316, plus strand): 5'-CGGGCCCCAGGCACCCAGAGGCCGCGAGCGCAGCACCTCCCGGCGCCAGTTTGCTGCTGC[TGCA>T]GCAGCAGCAGCAGCAGCAGCAGCAGCAGCAGCAGCAGCAGCAGCAGCAGCAGCAGCAGCA-3'

ClinVar aggregate classification (germline): Benign/Likely benign. Review status: criteria provided, multiple submitters, no conflicts (2 of 4 stars). 8 submissions from 8 submitters: Benign (5); Likely benign (1). 2 of the submissions do not count toward it. Last evaluated 2026-01-28.

Conditions:
Androgen resistance syndrome (AIS). Also called: ANDROGEN RECEPTOR DEFICIENCY; DIHYDROTESTOSTERONE RECEPTOR DEFICIENCY; Androgen insensitivity; Androgen insensitivity syndrome due to coactivator deficiency; DHTR DEFICIENCY; TESTICULAR FEMINIZATION SYNDROME. Identifiers: Orphanet 754, Orphanet 99429, MedGen C0039585, MONDO:0019154, OMIM 300068. Disease mechanism: loss of function.
Kennedy disease (SMAX1). Also called: SPINAL AND BULBAR MUSCULAR ATROPHY, X-LINKED 1; KENNEDY SPINAL AND BULBAR MUSCULAR ATROPHY; Spinal and Bulbar Muscular Atrophy. Identifiers: Orphanet 481, MedGen C1839259, MONDO:0010735, OMIM 313200.
Prostate cancer. Also called: Malignant tumor of prostate. Identifiers: Orphanet 1331, MedGen C0376358, MONDO:0008315, HP:0012125.
Hypospadias 1, X-linked (HYSP1). Identifiers: Orphanet 440, MedGen C2678098, MONDO:0010384, OMIM 300633.
Partial androgen insensitivity syndrome (PAIS). Also called: ANDROGEN INSENSITIVITY, PARTIAL, WITH OR WITHOUT BREAST CANCER; Gynecomastia, familial; Partial Androgen Insensitivity Syndrome (PAIS); Pseudohermaphroditism, Incomplete male, type I; Reifenstein syndrome, partial; Androgen resistance syndrome, partial. Identifiers: Orphanet 90797, MedGen C0268301, MONDO:0010720, OMIM 312300.

Submissions (8):

Labcorp Genetics (formerly Invitae), Labcorp
Classification: Benign for Kennedy disease; Androgen resistance syndrome. Last evaluated: 2026-01-28. Review status: criteria provided, single submitter. Criteria: Invitae Variant Classification Sherloc (09022015). Collection method: clinical testing. Allele origin: germline.

Dasa
Classification: Benign. Last evaluated: 2025-12-15. Review status: criteria provided, single submitter. Criteria: DASA Assertion Criteria. Collection method: clinical testing. Allele origin: germline.
Comment: NM_000044.6(AR):c.237_239del (p.Gln80del) is interpreted as benign based on a combination of available evidence, which may include population frequency, observations in unaffected individuals, intact protein function, lack of segregation with disease, in silico models, amino acid conservation, lack of disease association in case-control studies, and/or inconsistency with the known disease mechanism or impacted region. Based on the available data, this variant is classified as benign.

Laboratory of Genetics, Children's Clinical University Hospital Latvia
Classification: Benign. Last evaluated: 2025-02-16. Review status: criteria provided, single submitter. Criteria: ACMG Guidelines, 2015. Collection method: clinical testing. Allele origin: germline. Affected: yes.

Blueprint Genetics
Classification: Likely benign. Last evaluated: 2024-11-28. Review status: criteria provided, single submitter. Criteria: ACMG Guidelines, 2015. Collection method: clinical testing. Allele origin: germline.

Fulgent Genetics
Classification: Benign for Familial prostate cancer; Androgen resistance syndrome; Hypospadias 1, X-linked; Partial androgen insensitivity syndrome; Kennedy disease. Last evaluated: 2022-05-04. Review status: criteria provided, single submitter. Criteria: ACMG Guidelines, 2015. Collection method: clinical testing. Allele origin: unknown.

GeneDx
Classification: Benign. Last evaluated: 2015-03-03. Review status: criteria provided, single submitter. Criteria: GeneDx Variant Classification Process June 2021. Collection method: clinical testing. Allele origin: germline. Affected: yes.
Comment: This variant is associated with the following publications: (PMID: 26398403)

Clinical Genetics DNA and cytogenetics Diagnostics Lab, Erasmus MC, Erasmus Medical Center
Classification: Benign. Review status: no assertion criteria provided. Collection method: clinical testing. Allele origin: germline. Affected: yes. Study: VKGL Data-share Consensus. Not counted in ClinVar's aggregate classification.

Genome Diagnostics Laboratory, University Medical Center Utrecht
Classification: Benign. Review status: no assertion criteria provided. Collection method: clinical testing. Allele origin: germline. Affected: yes. Study: VKGL Data-share Consensus. Not counted in ClinVar's aggregate classification.